The following is an entry in ClinVar:

NM_001379200.1(TBX1):c.1070A>G (p.Asp357Gly)

Gene: TBX1 (T-box transcription factor 1; plus strand). Cytogenetic location: 22q11.21.
Variant type: single nucleotide variant.
Coding change: c.1070A>G on transcript NM_001379200.1 (MANE Select); coding-DNA position 1070, A replaced by G.
Protein change: p.Asp357Gly; replaces aspartic acid 357 with glycine.
Molecular consequence: missense variant. On other transcripts: intron variant (2).
Genome position (GRCh38, 1-based): chr22:19,766,422, A>G. VCF-style: chr22-19766422-A-G. GRCh37 (hg19) VCF-style: chr22-19753945-A-G.
Other names: c.1043A>G, p.Asp348Gly (NM_080647.1); c.1009+420A>G (NM_005992.1, NM_080646.2); short protein forms D348G, D357G.
Identifiers: ClinVar variation 2100412 (VCV002100412.4), dbSNP rs2517857402, ClinGen allele CA410684030.

ClinVar aggregate classification (germline): Uncertain significance (1 of 4 stars; one submission).

Conditions:
DiGeorge syndrome. Also called: Catch22; THIRD AND FOURTH PHARYNGEAL POUCH SYNDROME. Identifiers: Orphanet 567, MedGen C0012236, MONDO:0008564, OMIM 188400.

Submission:

Labcorp Genetics (formerly Invitae), Labcorp
Classification: Uncertain significance for DiGeorge syndrome. Last evaluated: 2022-02-20. Review status: criteria provided, single submitter. Criteria: Invitae Variant Classification Sherloc (09022015). Collection method: clinical testing. Allele origin: germline.
Comment: In summary, the available evidence is currently insufficient to determine the role of this variant in disease. Therefore, it has been classified as a Variant of Uncertain Significance. Algorithms developed to predict the effect of missense changes on protein structure and function (SIFT, PolyPhen-2, Align-GVGD) all suggest that this variant is likely to be tolerated. This variant has not been reported in the literature in individuals affected with TBX1-related conditions. This variant is not present in population databases (gnomAD no frequency). This sequence change replaces aspartic acid, which is acidic and polar, with glycine, which is neutral and non-polar, at codon 348 of the TBX1 protein (p.Asp348Gly).